The following is an entry in ClinVar:

NM_001244008.2(KIF1A):c.4921G>A (p.Glu1641Lys)

Gene: KIF1A (kinesin family member 1A; minus strand). Cytogenetic location: 2q37.3.
Variant type: single nucleotide variant.
Coding change: c.4921G>A on transcript NM_001244008.2 (MANE Select); coding-DNA position 4921, G replaced by A.
Protein change: p.Glu1641Lys; replaces glutamic acid 1641 with lysine.
Molecular consequence: missense variant.
Genome position (GRCh38, 1-based): chr2:240,719,874, C>T on the plus strand (G>A on the coding strand, the complement: KIF1A is on the minus strand). VCF-style: chr2-240719874-C-T. GRCh37 (hg19) VCF-style: chr2-241659291-C-T.
Other names: c.4645G>A, p.Glu1549Lys (NM_001320705.2, NM_001379649.1); c.4672G>A, p.Glu1558Lys (NM_001330289.2); c.4720G>A, p.Glu1574Lys (NM_001330290.2, NM_001379648.1); c.4996G>A, p.Glu1666Lys (NM_001379631.1); c.4897G>A, p.Glu1633Lys (NM_001379632.1); c.4894G>A, p.Glu1632Lys (NM_001379633.1, NM_001379645.1); c.4747G>A, p.Glu1583Lys (NM_001379634.1); c.4744G>A, p.Glu1582Lys (NM_001379635.1, NM_001379646.1); and 7 more; short protein forms E1539K, E1574K, E1582K, E1549K, E1632K, E1558K, E1583K, E1633K.
Identifiers: ClinVar variation 2090836 (VCV002090836.4), dbSNP rs2536616751, ClinGen allele CA351300790.
Genomic context (GRCh38, chr2:240,719,874, plus strand): 5'-GGGGCTCCTTGTCTGTCTCTGTTGCCCGGGCAGGGGAAGGGAGCTTCTTGGAGTCGGCCT[C>T]TGGCAGCAGCTCGGGCTCTGGGCTGGCTGGCCGGGAGCAGGGCTGCGGGGTCCTGGGAAG-3'
Protein context (NP_001230937.1, residues 1631-1651): PASPEPELLP[Glu1641Lys]ADSKKLPSPA

ClinVar aggregate classification (germline): Uncertain significance (1 of 4 stars; one submission).

Conditions:
Neuropathy, hereditary sensory, type 2C. Also called: Hereditary sensory and autonomic neuropathy type IIC; KIF1A-Related HSAN2 (HSAN2C). Identifiers: Orphanet 970, MedGen C3280168, MONDO:0013634, OMIM 614213.
Intellectual disability, autosomal dominant 9 (NESCAVS). Also called: NESCAV SYNDROME; KIF1A-Related Neurodevelopmental Disorder. Identifiers: Orphanet 662367, MedGen C5393830, MONDO:0013656, OMIM 614255.
Hereditary spastic paraplegia 30. Identifiers: Orphanet 101010, MedGen C5235139, MONDO:0012476.

Submission:

Labcorp Genetics (formerly Invitae), Labcorp
Classification: Uncertain significance for Hereditary spastic paraplegia 30; Neuropathy, hereditary sensory, type 2C; Intellectual disability, autosomal dominant 9. Last evaluated: 2025-01-27. Review status: criteria provided, single submitter. Criteria: Invitae Variant Classification Sherloc (09022015). Collection method: clinical testing. Allele origin: germline.
Comment: This sequence change replaces glutamic acid, which is acidic and polar, with lysine, which is basic and polar, at codon 1540 of the KIF1A protein (p.Glu1540Lys). This variant is not present in population databases (gnomAD no frequency). This variant has not been reported in the literature in individuals affected with KIF1A-related conditions. ClinVar contains an entry for this variant (Variation ID: 2090836). Invitae Evidence Modeling of protein sequence and biophysical properties (such as structural, functional, and spatial information, amino acid conservation, physicochemical variation, residue mobility, and thermodynamic stability) indicates that this missense variant is not expected to disrupt KIF1A protein function with a negative predictive value of 95%. In summary, the available evidence is currently insufficient to determine the role of this variant in disease. Therefore, it has been classified as a Variant of Uncertain Significance.